The following is an entry in ClinVar:

NM_015107.3(PHF8):c.2649+756A>G

Gene: PHF8 (PHD finger protein 8; minus strand). Cytogenetic location: Xp11.22.
Variant type: single nucleotide variant.
Coding change: c.2649+756A>G on transcript NM_015107.3 (MANE Select); 756 bases into the intron after coding-DNA position 2649, A replaced by G.
Molecular consequence: intron variant. On other transcripts: missense variant (3).
Genome position (GRCh38, 1-based): chrX:53,943,378, T>C on the plus strand (A>G on the coding strand, the complement: PHF8 is on the minus strand). VCF-style: chrX-53943378-T-C. GRCh37 (hg19) VCF-style: chrX-53969811-T-C.
Other names: c.2623A>G, p.Thr875Ala (NM_001184898.2); c.2782A>G, p.Thr928Ala (NM_001441097.1); c.2479A>G, p.Thr827Ala (NM_001441098.1); c.2454+756A>G (NM_001441096.1); c.2757+756A>G (NM_001184896.1); c.2346+756A>G (NM_001184897.2); short protein forms T827A, T875A, T928A.
Identifiers: ClinVar variation 4082790 (VCV004082790.1).
Genomic context (GRCh38, chrX:53,943,378, plus strand): 5'-GTTAGAGGATATGAGTTTGAGTTGTCTCCTCCATTTACTGGCTGTATTATCCTGAGTCAG[T>C]TAATGAGAGCTTCATTTTCTTCACCTATAAAATGATGAAAATATCACCTGTTGAACAGGG-3'

ClinVar aggregate classification (germline): Uncertain significance (1 of 4 stars; one submission).

Submission:

GeneDx
Classification: Uncertain significance. Last evaluated: 2025-03-06. Review status: criteria provided, single submitter. Criteria: GeneDx Variant Classification Process June 2021. Collection method: clinical testing. Allele origin: germline. Affected: yes.
Comment: Not observed at significant frequency in large population cohorts (gnomAD); In silico analysis indicates that this variant does not alter splicing; Has not been previously published as pathogenic or benign to our knowledge; Reported using an alternate transcript of the gene